The following is an entry in ClinVar:

ClinVar aggregate classification (germline): Uncertain significance. Review status: criteria provided, multiple submitters, no conflicts (2 of 4 stars). 2 submissions from 2 submitters: Uncertain significance (2). Last evaluated 2025-07-10.

Conditions:
Hypertrophic cardiomyopathy. Also called: HYPERTROPHIC MYOCARDIOPATHY. Identifiers: Orphanet 217569, MedGen C0007194, MeSH D002312, MONDO:0005045, HP:0001639.
Cardiomyopathy (CMYO). Also called: Cardiomyopathies. Identifiers: Orphanet 167848, MedGen C0878544, MONDO:0004994, HP:0001638. Inheritance: Various modes of inheritance.

gnomAD v4.1: 1 of 1,605,848 alleles (0.000062%); highest among the groups gnomAD compares: East Asian, 0.0022%; no homozygotes.

Submissions (2):

Color Diagnostics, LLC DBA Color Health
Classification: Uncertain significance for Cardiomyopathy. Last evaluated: 2025-07-10. Review status: criteria provided, single submitter. Criteria: ACMG Guidelines, 2015. Collection method: clinical testing. Allele origin: germline.
Comment: This variant causes a C to A nucleotide substitution at the -5 position of intron 9 of the TPM1 gene. To our knowledge, functional studies have not been reported for this variant. This variant has not been reported in individuals affected with TPM1-related disorders in the literature. This variant has been identified in 1/243328 chromosomes in the general population by the Genome Aggregation Database (gnomAD). The available evidence is insufficient to determine the role of this variant in disease conclusively. Therefore, this variant is classified as a Variant of Uncertain Significance.

Labcorp Genetics (formerly Invitae), Labcorp
Classification: Uncertain significance for Hypertrophic cardiomyopathy. Last evaluated: 2022-09-27. Review status: criteria provided, single submitter. Criteria: Invitae Variant Classification Sherloc (09022015). Collection method: clinical testing. Allele origin: germline.
Comment: The frequency data for this variant in the population databases is considered unreliable, as metrics indicate poor data quality at this position in the gnomAD database. This sequence change falls in intron 9 of the TPM1 gene. It does not directly change the encoded amino acid sequence of the TPM1 protein. This variant has not been reported in the literature in individuals affected with TPM1-related conditions. Algorithms developed to predict the effect of sequence changes on RNA splicing suggest that this variant may disrupt the consensus splice site. In summary, the available evidence is currently insufficient to determine the role of this variant in disease. Therefore, it has been classified as a Variant of Uncertain Significance.

NM_001018005.2(TPM1):c.852-5C>A

Gene: TPM1 (tropomyosin 1; plus strand). Cytogenetic location: 15q22.2.
Variant type: single nucleotide variant.
Coding change: c.852-5C>A on transcript NM_001018005.2 (MANE Select); 5 bases into the intron before coding-DNA position 852, C replaced by A.
Molecular consequence: intron variant. On other transcripts: 3 prime UTR variant (2).
Genome position (GRCh38, 1-based): chr15:63,065,891, C>A. VCF-style: chr15-63065891-C-A. GRCh37 (hg19) VCF-style: chr15-63358090-C-A.
Other names: c.*1745C>A (NM_001365781.2, NM_001365782.1, NM_001407333.1 and 1 more transcripts); c.898+3246C>A (NM_001365778.1); c.772+3246C>A (NM_001018020.2, NM_001018007.2, NM_001018006.2 and 2 more transcripts); c.852-5C>A (NM_001301244.2); c.*45-5C>A (NM_000366.6, NM_001365779.1); c.773-5C>A (NM_001365777.1); c.664+3246C>A (NM_001330351.2, NM_001330344.2, NM_001018008.2 and 1 more transcripts); c.744-5C>A (NM_001330346.2); and 1 more.
Identifiers: ClinVar variation 1983878 (VCV001983878.4), dbSNP rs766724527, ClinGen allele CA618532956.
Genomic context (GRCh38, chr15:63,065,891, plus strand): 5'-TTCTTTTTTTTTTTTTTCTCATTGTGCCACTTTTTTTTTCCTCCCACCTTTTTATCTTCA[C>A]GCAGATAAGTTTCTTTGCTTCACTTCTCCCAAGACTCCCTCGTCGAGCTGGATGTCCCAC-3'